The following is an entry in ClinVar:

NM_001080.3(ALDH5A1):c.622A>C (p.Ser208Arg)

Gene: ALDH5A1 (aldehyde dehydrogenase 5 family member A1; plus strand). Cytogenetic location: 6p22.3.
Variant type: single nucleotide variant.
Coding change: c.622A>C on transcript NM_001080.3 (MANE Select); coding-DNA position 622, A replaced by C.
Protein change: p.Ser208Arg; replaces serine 208 with arginine.
Molecular consequence: missense variant.
Genome position (GRCh38, 1-based): chr6:24,504,881, A>C. VCF-style: chr6-24504881-A-C. GRCh37 (hg19) VCF-style: chr6-24505109-A-C.
Other names: c.622A>C, p.Ser208Arg (NM_001368954.1, NM_170740.1); short protein forms S208R.
Identifiers: ClinVar variation 1878459 (VCV001878459.3), dbSNP rs748783975, ClinGen allele CA3656680.

ClinVar aggregate classification (germline): Likely pathogenic (1 of 4 stars; one submission).

Conditions:
Succinate-semialdehyde dehydrogenase deficiency (SSADHD). Also called: Succinic Semialdehyde Dehydrogenase Deficiency; SSADH DEFICIENCY; 4-HYDROXYBUTYRIC ACIDURIA; GABA METABOLIC DEFECT. Identifiers: Orphanet 22, MedGen C0268631, MONDO:0010083, OMIM 271980.

Submission:

Elsea Laboratory, Baylor College of Medicine
Classification: Likely pathogenic for Succinate-semialdehyde dehydrogenase deficiency. Last evaluated: 2021-03-08. Review status: criteria provided, single submitter. Criteria: Martin et al. (J Child Neurol. 2021). Collection method: curation. Allele origin: germline. Affected: yes.
Comment: NAD binding domain

Literature cited by the submitters: PubMed 33203024.